The following is an entry in ClinVar:

NM_031885.5(BBS2):c.2043_2058dup (p.Val687fs)

Gene: BBS2 (Bardet-Biedl syndrome 2; minus strand). Cytogenetic location: 16q13.
Variant type: Duplication.
Coding change: c.2043_2058dup on transcript NM_031885.5 (MANE Select); coding-DNA positions 2043 to 2058, 16 bases duplicated (AGCAGGTCGTCTGCGG).
Protein change: p.Val687fs; shifts the reading frame from valine 687.
Molecular consequence: frameshift variant. On other transcripts: non-coding transcript variant (5).
Genome position (GRCh38, 1-based): chr16:56,485,591-56,485,606, CCGCAGACGACCTGCT duplicated on the plus strand (AGCAGGTCGTCTGCGG on the coding strand, the reverse complement: BBS2 is on the minus strand); duplicating any 16 consecutive bases within chr16:56,485,591-56,485,607 gives the same sequence; the c. name uses the placement nearest the transcript's 3' end. VCF-style (leftmost placement, unchanged base first): chr16-56485590-C-CCCGCAGACGACCTGCT. GRCh37 (hg19) VCF-style: chr16-56519502-C-CCCGCAGACGACCTGCT.
Other names: c.2043_2058dup, p.Val687fs (NM_001377456.1); short protein forms V687fs.
Identifiers: ClinVar variation 551970 (VCV000551970.5), dbSNP rs1555520212, ClinGen allele CA658824618.

ClinVar aggregate classification (germline): Pathogenic. Review status: criteria provided, single submitter (1 of 4 stars). 2 submissions from 2 submitters: Pathogenic (1). 1 of the submissions does not count toward it. Last evaluated 2023-06-04.

Conditions:
Bardet-Biedl syndrome (BBS). Identifiers: Orphanet 110, MedGen C0752166, MONDO:0015229.
Bardet-Biedl syndrome 2 (BBS2). Identifiers: Orphanet 110, MedGen C2936863, MONDO:0014432, OMIM 615981.

Submissions (2):

Labcorp Genetics (formerly Invitae), Labcorp
Classification: Pathogenic for Bardet-Biedl syndrome. Last evaluated: 2023-06-04. Review status: criteria provided, single submitter. Criteria: Invitae Variant Classification Sherloc (09022015). Collection method: clinical testing. Allele origin: germline.
Comment: This variant has not been reported in the literature in individuals affected with BBS2-related conditions. For these reasons, this variant has been classified as Pathogenic. This variant disrupts a region of the BBS2 protein in which other variant(s) (p.Arg703*) have been determined to be pathogenic (PMID: 21344540, 25999675; Invitae). This suggests that this is a clinically significant region of the protein, and that variants that disrupt it are likely to be disease-causing. ClinVar contains an entry for this variant (Variation ID: 551970). This variant is not present in population databases (gnomAD no frequency). This sequence change creates a premature translational stop signal (p.Val687Serfs*25) in the BBS2 gene. While this is not anticipated to result in nonsense mediated decay, it is expected to disrupt the last 35 amino acid(s) of the BBS2 protein.

Counsyl
Classification: Uncertain significance for Bardet-Biedl syndrome 2. Last evaluated: 2017-05-12. Review status: no assertion criteria provided. Collection method: clinical testing. Allele origin: unknown. Not counted in ClinVar's aggregate classification.

Literature cited by the submitters: PubMed 21344540 (cited by Labcorp Genetics (formerly Invitae), Labcorp); PubMed 25999675 (cited by Labcorp Genetics (formerly Invitae), Labcorp).